The following is an entry in ClinVar:

NM_022455.5(NSD1):c.581A>G (p.Asn194Ser)

Gene: NSD1 (nuclear receptor binding SET domain protein 1; plus strand). Cytogenetic location: 5q35.3.
Variant type: single nucleotide variant.
Coding change: c.581A>G on transcript NM_022455.5 (MANE Select); coding-DNA position 581, A replaced by G.
Protein change: p.Asn194Ser; replaces asparagine 194 with serine.
Molecular consequence: missense variant. On other transcripts: intron variant (8).
Genome position (GRCh38, 1-based): chr5:177,135,684, A>G. VCF-style: chr5-177135684-A-G. GRCh37 (hg19) VCF-style: chr5-176562685-A-G.
Other names: c.581A>G, p.Asn194Ser (NM_001409301.1, NM_001409302.1, NM_001409303.1); c.417+164A>G (NM_001409304.1); c.-36-257A>G (NM_001409305.1, NM_001409306.1, NM_001409308.1 and 4 more transcripts); short protein forms N194S.
Identifiers: ClinVar variation 3631418 (VCV003631418.3).
Genomic context (GRCh38, chr5:177,135,684, plus strand): 5'-TCACAGAGGATGAGAGTATAGAGGAGATCTTTGAGGAAACTCAGACCAATGCCACCTGCA[A>G]TTATGAGACTAAATCAGAGAATGGTGTAAAAGTGGCCATGGGAAGTGAACAAGACAGCAC-3'
Protein context (NP_071900.2, residues 184-204): FEETQTNATC[Asn194Ser]YETKSENGVK

ClinVar aggregate classification (germline): Conflicting classifications of pathogenicity. Review status: criteria provided, conflicting classifications (1 of 4 stars). 2 submissions from 2 submitters: Uncertain significance (1); Likely benign (1). Last evaluated 2024-12-21.

Conditions:
NSD1-related disorder. Also called: NSD1-related condition.

gnomAD v4.1: 16 of 1,614,128 alleles (0.00099%); highest among the groups gnomAD compares: East Asian, 0.011%; no homozygotes.

Submissions (2):

PreventionGenetics, part of Exact Sciences
Classification: Uncertain significance for NSD1-related condition. Last evaluated: 2024-12-21. Review status: criteria provided, single submitter. Criteria: ACMG Guidelines, 2015. Collection method: clinical testing. Allele origin: germline.
Comment: The NSD1 c.581A>G variant is predicted to result in the amino acid substitution p.Asn194Ser. To our knowledge, this variant has not been reported in the literature. This variant is reported in 0.00088% of alleles in individuals of European (Non-Finnish) descent in gnomAD. At this time, the clinical significance of this variant is uncertain due to the absence of conclusive functional and genetic evidence.

Labcorp Genetics (formerly Invitae), Labcorp
Classification: Likely benign. Last evaluated: 2024-11-04. Review status: criteria provided, single submitter. Criteria: Invitae Variant Classification Sherloc (09022015). Collection method: clinical testing. Allele origin: germline.